The following is an entry in ClinVar:

NM_005068.3(SIM1):c.860A>G (p.Lys287Arg)

Gene: SIM1 (SIM bHLH transcription factor 1; minus strand). Cytogenetic location: 6q16.3.
Variant type: single nucleotide variant.
Coding change: c.860A>G on transcript NM_005068.3 (MANE Select); coding-DNA position 860, A replaced by G.
Protein change: p.Lys287Arg; replaces lysine 287 with arginine.
Molecular consequence: missense variant.
Genome position (GRCh38, 1-based): chr6:100,447,406, T>C on the plus strand (A>G on the coding strand, the complement: SIM1 is on the minus strand). VCF-style: chr6-100447406-T-C. GRCh37 (hg19) VCF-style: chr6-100895282-T-C.
Other names: c.860A>G, p.Lys287Arg (NM_001374769.1); short protein forms K287R.
Identifiers: ClinVar variation 2636892 (VCV002636892.1), dbSNP rs1772384171, ClinGen allele CA365122578.

ClinVar aggregate classification (germline): Uncertain significance (1 of 4 stars; one submission).

Conditions:
SIM1-related disorder. Also called: SIM1-related disorders; SIM1-related condition.

Allele frequency attached by ClinVar (database versions not stated): gnomAD 0.00001; TOPMed 0.00001; gnomAD exomes 0.00002.
gnomAD v4.1: 39 of 1,614,086 alleles (0.0024%); highest among the groups gnomAD compares: Non-Finnish European, 0.003%; no homozygotes.

Submission:

PreventionGenetics, part of Exact Sciences
Classification: Uncertain significance for SIM1-related condition. Last evaluated: 2023-09-19. Review status: criteria provided, single submitter. Criteria: ACMG Guidelines, 2015. Collection method: clinical testing. Allele origin: germline.
Comment: The SIM1 c.860A>G variant is predicted to result in the amino acid substitution p.Lys287Arg. To our knowledge, this variant has not been reported in the literature or in a large population database, indicating this variant is rare. At this time, the clinical significance of this variant is uncertain due to the absence of conclusive functional and genetic evidence.